The following is an entry in ClinVar:

ClinVar aggregate classification (germline): Likely benign. Review status: criteria provided, multiple submitters, no conflicts (2 of 4 stars). 5 submissions from 5 submitters: Likely benign (5). Last evaluated 2026-01-31.

Conditions:
Marfan syndrome (MFS). Also called: Marfan syndrome type 1; Marfan syndrome, classic; Marfan's syndrome; FBN1-Related Marfan Syndrome; MARFAN SYNDROME, TYPE I. Identifiers: Orphanet 284963, Orphanet 558, MedGen C0024796, MONDO:0007947, OMIM 154700.
Familial thoracic aortic aneurysm and aortic dissection (TAAD). Also called: Thoracic aortic aneurysms and dissections. Identifiers: Orphanet 91387, MedGen C4707243, MONDO:0019625.

Allele frequency attached by ClinVar (database versions not stated): gnomAD 0.00001; gnomAD exomes 0.00001; TOPMed 0.00004; ExAC 0.00001.
gnomAD v4.1: 12 of 1,612,762 alleles (0.00074%); highest among the groups gnomAD compares: African/African-American, 0.008%; no homozygotes.

Submissions (5):

Ambry Genetics
Classification: Likely benign for Familial thoracic aortic aneurysm and aortic dissection. Last evaluated: 2026-01-31. Review status: criteria provided, single submitter. Criteria: Ambry Variant Classification Scheme 2023. Collection method: clinical testing. Allele origin: germline.

Labcorp Genetics (formerly Invitae), Labcorp
Classification: Likely benign for Marfan syndrome; Familial thoracic aortic aneurysm and aortic dissection. Last evaluated: 2026-01-12. Review status: criteria provided, single submitter. Criteria: Invitae Variant Classification Sherloc (09022015). Collection method: clinical testing. Allele origin: germline.

All of Us Research Program, National Institutes of Health
Classification: Likely benign for Marfan syndrome. Last evaluated: 2024-08-06. Review status: criteria provided, single submitter. Criteria: ACMG Guidelines, 2015. Collection method: clinical testing. Allele origin: germline. Inheritance: Autosomal dominant inheritance. Observed: 4 variant alleles, 4 heterozygotes.
Comment: This study involves interpretation of variants in research participants for the purpose of population health screening. Participant phenotype was not available at the time of variant classification. Additional details can be found in publication PMID: 35346344, PMCID: PMC8962531

Color Diagnostics, LLC DBA Color Health
Classification: Likely benign for Familial thoracic aortic aneurysm and aortic dissection. Last evaluated: 2019-03-27. Review status: criteria provided, single submitter. Criteria: ACMG Guidelines, 2015. Collection method: clinical testing. Allele origin: germline.

GeneDx
Classification: Likely benign. Last evaluated: 2018-02-12. Review status: criteria provided, single submitter. Criteria: GeneDx Variant Classification (06012015). Collection method: clinical testing. Allele origin: germline. Affected: yes.
Comment: This variant is considered likely benign or benign based on one or more of the following criteria: it is a conservative change, it occurs at a poorly conserved position in the protein, it is predicted to be benign by multiple in silico algorithms, and/or has population frequency not consistent with disease.

NM_000138.5(FBN1):c.5817G>A (p.Gly1939=)

Gene: FBN1 (fibrillin 1; minus strand). Cytogenetic location: 15q21.1.
Variant type: single nucleotide variant.
Coding change: c.5817G>A on transcript NM_000138.5 (MANE Select); coding-DNA position 5817, G replaced by A.
Protein change: p.Gly1939=; no amino-acid change (glycine 1939 retained).
Molecular consequence: synonymous variant.
Genome position (GRCh38, 1-based): chr15:48,445,476, C>T on the plus strand (G>A on the coding strand, the complement: FBN1 is on the minus strand). VCF-style: chr15-48445476-C-T. GRCh37 (hg19) VCF-style: chr15-48737673-C-T.
Identifiers: ClinVar variation 515477 (VCV000515477.14), dbSNP rs767097888, ClinGen allele CA055731.
Genomic context (GRCh38, chr15:48,445,476, plus strand): 5'-ATTGCACTGGCACTGGAAAGACCCCACTGTATTAATGCATTGGCCATTTCTGCAAAGATT[C>T]CCATTTCCACTTGCACATTCATCAACATCTGCAGAAAAATCCCCAACAATCCTTTAATAT-3'
Protein context (NP_000129.3, residues 1929-1949): IDVDECASGN[Gly1939=]NLCRNGQCIN